The following is an entry in ClinVar:

NM_020975.6(RET):c.587T>C (p.Leu196Ser)

Gene: RET (ret proto-oncogene; plus strand). Cytogenetic location: 10q11.21.
Variant type: single nucleotide variant.
Coding change: c.587T>C on transcript NM_020975.6 (MANE Select); coding-DNA position 587, T replaced by C.
Protein change: p.Leu196Ser; replaces leucine 196 with serine.
Molecular consequence: missense variant. On other transcripts: intron variant (15).
Genome position (GRCh38, 1-based): chr10:43,102,591, T>C. VCF-style: chr10-43102591-T-C. GRCh37 (hg19) VCF-style: chr10-43598039-T-C.
Other names: c.74-9508T>C (NM_001406793.1, NM_001406794.1, NM_001406792.1); c.587T>C, p.Leu196Ser (NM_001406743.1, NM_001406744.1, NM_001406759.1 and 14 more transcripts); c.458T>C, p.Leu153Ser (NM_001406761.1, NM_001406762.1, NM_001406764.1 and 4 more transcripts); c.337+1869T>C (NM_001406770.1, NM_001406766.1, NM_001406767.1 and 8 more transcripts); c.74-6440T>C (NM_001406784.1); short protein forms L196S, L153S.
Identifiers: ClinVar variation 4152803 (VCV004152803.1).
Genomic context (GRCh38, chr10:43,102,591, plus strand): 5'-TTCGGGAGAACCGACCCCCAGGCACCTTCCACCAGTTCCGCCTGCTGCCTGTGCAGTTCT[T>C]GTGCCCCAACATCAGCGTGGCCTACAGGCTCCTGGAGGGTGAGTGCCGACCTTGTGGGGC-3'
Protein context (NP_066124.1, residues 186-206): HQFRLLPVQF[Leu196Ser]CPNISVAYRL

ClinVar aggregate classification (germline): Uncertain significance (1 of 4 stars; one submission).

Conditions:
Hereditary cancer-predisposing syndrome. Also called: Neoplastic Syndromes, Hereditary; Tumor predisposition; Hereditary Cancer Syndrome; Hereditary neoplastic syndrome. Identifiers: Orphanet 140162, MedGen C0027672, MeSH D009386, MONDO:0015356.

Submission:

Ambry Genetics
Classification: Uncertain significance for Hereditary cancer-predisposing syndrome. Last evaluated: 2025-08-20. Review status: criteria provided, single submitter. Criteria: Ambry Variant Classification Scheme 2023. Collection method: clinical testing. Allele origin: germline.
Comment: The p.L196S variant (also known as c.587T>C), located in coding exon 3 of the RET gene, results from a T to C substitution at nucleotide position 587. The leucine at codon 196 is replaced by serine, an amino acid with dissimilar properties. This amino acid position is not well conserved in available vertebrate species. In addition, this alteration is predicted to be tolerated by in silico analysis. Based on the available evidence, the clinical significance of this variant remains unclear.